The following is an entry in ClinVar:

ClinVar aggregate classification (germline): Uncertain significance (1 of 4 stars; one submission).

Allele frequency attached by ClinVar (database versions not stated): gnomAD 0.00001; gnomAD exomes 0.00002; TOPMed 0.00002.
gnomAD v4.1: 11 of 1,604,908 alleles (0.00069%); highest among the groups gnomAD compares: Admixed American, 0.017%; no homozygotes.

Submission:

Labcorp Genetics (formerly Invitae), Labcorp
Classification: Uncertain significance. Last evaluated: 2025-11-21. Review status: criteria provided, single submitter. Criteria: Invitae Variant Classification Sherloc (09022015). Collection method: clinical testing. Allele origin: germline.
Comment: This sequence change replaces histidine, which is basic and polar, with tyrosine, which is neutral and polar, at codon 1509 of the POLR1A protein (p.His1509Tyr). This variant is present in population databases (no rsID available, gnomAD 0.02%). This variant has not been reported in the literature in individuals affected with POLR1A-related conditions. ClinVar contains an entry for this variant (Variation ID: 1397748). Invitae Evidence Modeling of protein sequence and biophysical properties (such as structural, functional, and spatial information, amino acid conservation, physicochemical variation, residue mobility, and thermodynamic stability) indicates that this missense variant is not expected to disrupt POLR1A protein function with a negative predictive value of 80%. In summary, the available evidence is currently insufficient to determine the role of this variant in disease. Therefore, it has been classified as a Variant of Uncertain Significance.

NM_015425.6(POLR1A):c.4525C>T (p.His1509Tyr)

Gene: POLR1A (RNA polymerase I subunit A; minus strand). Cytogenetic location: 2p11.2.
Variant type: single nucleotide variant.
Coding change: c.4525C>T on transcript NM_015425.6 (MANE Select); coding-DNA position 4525, C replaced by T.
Protein change: p.His1509Tyr; replaces histidine 1509 with tyrosine.
Molecular consequence: missense variant.
Genome position (GRCh38, 1-based): chr2:86,031,383, G>A on the plus strand (C>T on the coding strand, the complement: POLR1A is on the minus strand). VCF-style: chr2-86031383-G-A. GRCh37 (hg19) VCF-style: chr2-86258506-G-A.
Other names: short protein forms H1509Y.
Identifiers: ClinVar variation 1397748 (VCV001397748.6), dbSNP rs1309145000, ClinGen allele CA347546069.